The following is an entry in ClinVar:

NM_002519.3(NPAT):c.4099A>G (p.Thr1367Ala)

Gene: NPAT (nuclear protein, coactivator of histone transcription; minus strand). Cytogenetic location: 11q22.3.
Variant type: single nucleotide variant.
Coding change: c.4099A>G on transcript NM_002519.3 (MANE Select); coding-DNA position 4099, A replaced by G.
Protein change: p.Thr1367Ala; replaces threonine 1367 with alanine.
Molecular consequence: missense variant.
Genome position (GRCh38, 1-based): chr11:108,160,987, T>C on the plus strand (A>G on the coding strand, the complement: NPAT is on the minus strand). VCF-style: chr11-108160987-T-C. GRCh37 (hg19) VCF-style: chr11-108031714-T-C.
Other names: c.4120A>G, p.Thr1374Ala (NM_001321307.1); short protein forms T1367A, T1374A.
Identifiers: ClinVar variation 1737794 (VCV001737794.2), dbSNP rs1191255553, ClinGen allele CA382509373.

ClinVar aggregate classification (germline): Uncertain significance (1 of 4 stars; one submission).

Allele frequency attached by ClinVar (database versions not stated): gnomAD exomes below 0.00001; gnomAD 0.00001; TOPMed 0.00001.
gnomAD v4.1: 3 of 1,614,088 alleles (0.00019%); highest among the groups gnomAD compares: African/African-American, 0.004%; no homozygotes.

Submission:

Ambry Genetics
Classification: Uncertain significance. Last evaluated: 2021-10-20. Review status: criteria provided, single submitter. Criteria: Ambry Variant Classification Scheme 2023. Collection method: clinical testing. Allele origin: germline.
Comment: The p.T1367A variant (also known as c.4099A>G), located in coding exon 17 of the NPAT gene, results from an A to G substitution at nucleotide position 4099. The threonine at codon 1367 is replaced by alanine, an amino acid with similar properties. This amino acid position is conserved. In addition, this alteration is predicted to be tolerated by in silico analysis. Since supporting evidence is limited at this time, the clinical significance of this alteration remains unclear.